The following is an entry in ClinVar:

NM_001105206.3(LAMA4):c.2671A>G (p.Lys891Glu)

Genes: LAMA4 (laminin subunit alpha 4; minus strand), LOC126859766 (MED14-independent group 3 enhancer GRCh37_chr6:112462018-112463217; plus strand). Cytogenetic location: 6q21.
Variant type: single nucleotide variant.
Coding change: c.2671A>G on transcript NM_001105206.3 (MANE Select); coding-DNA position 2671, A replaced by G.
Protein change: p.Lys891Glu; replaces lysine 891 with glutamic acid.
Molecular consequence: missense variant.
Genome position (GRCh38, 1-based): chr6:112,141,500, T>C on the plus strand (A>G on the coding strand, the complement: LAMA4 is on the minus strand). VCF-style: chr6-112141500-T-C. GRCh37 (hg19) VCF-style: chr6-112462702-T-C.
Other names: c.2650A>G (LRG_433t2); c.2650A>G, p.Lys884Glu (NM_001105207.3, NM_002290.5); short protein forms K884E, K891E.
Identifiers: ClinVar variation 449609 (VCV000449609.3), dbSNP rs1554333239, ClinGen allele CA365380455.

ClinVar aggregate classification (germline): Uncertain significance. Review status: criteria provided, multiple submitters, no conflicts (2 of 4 stars). 2 submissions from 2 submitters: Uncertain significance (2). Last evaluated 2024-08-07.

Conditions:
Cardiovascular phenotype. Identifiers: MedGen CN230736.

Submissions (2):

Ambry Genetics
Classification: Uncertain significance for Cardiovascular phenotype. Last evaluated: 2024-08-07. Review status: criteria provided, single submitter. Criteria: Ambry Variant Classification Scheme 2023. Collection method: clinical testing. Allele origin: germline.

GeneDx
Classification: Uncertain significance. Last evaluated: 2015-12-03. Review status: criteria provided, single submitter. Criteria: GeneDx Variant Classification (06012015). Collection method: clinical testing. Allele origin: germline. Affected: yes.
Comment: A novel variant of uncertain significance has been identified in the LAMA4 gene. The K884E variant has not been published as a pathogenic variant, nor has it been reported as a benign variant to our knowledge. This variant was not observed in approximately 6,500 individuals of European and African American ancestry in the NHLBI Exome Sequencing Project, indicating it is not a common benign variant in these populations. The K884E variant is a non-conservative amino acid substitution, which is likely to impact secondary protein structure as these residues differ in polarity, charge, size and/or other properties. This substitution occurs at a position that is conserved in mammals. However, in silico analysis is inconsistent in its predictions as to whether or not the variant is damaging to the protein structure/function. Furthermore, no missense variants in nearby residues have been reported in the Human Gene Mutation Database (Stenson et al., 2014), indicating this region of the gene is not known to pathogenic variants. Therefore, based on the currently available information, it is unclear whether this variant is pathogenic or rare benign.